The following is an entry in ClinVar:

ClinVar aggregate classification (germline): Affects (0 of 4 stars; one submission).

Conditions:
weakened D expression by serology.

Submission:

Australian Red Cross Blood Service
Classification: Affects for weakened D expression by serology. Last evaluated: 2021-07-01. Review status: no assertion criteria provided. Collection method: research. Allele origin: inherited. Inheritance: Codominant.
Comment: We have found this nucleotide change RHDc.709G>A in three different samples. All showing weakened D expression on serology.

NM_016124.6(RHD):c.709G>A (p.Ala237Thr)

Genes: RHD (Rh blood group D antigen; plus strand), RSRP1 (arginine and serine rich protein 1; minus strand). Cytogenetic location: 1p36.11.
Variant type: single nucleotide variant.
Coding change: c.709G>A on transcript NM_016124.6 (MANE Select); coding-DNA position 709, G replaced by A.
Protein change: p.Ala237Thr; replaces alanine 237 with threonine.
Molecular consequence: missense variant. On other transcripts: intron variant (1).
Genome position (GRCh38, 1-based): chr1:25,301,594, G>A. VCF-style: chr1-25301594-G-A. GRCh37 (hg19) VCF-style: chr1-25628085-G-A.
Other names: c.709G>A, p.Ala237Thr (NM_001127691.3, NM_001282868.1, NM_001282869.2 and 3 more transcripts); c.211G>A, p.Ala71Thr (NM_001282867.1); c.-67+35446C>T (NM_001321772.2); short protein forms A237T, A71T.
Identifiers: ClinVar variation 1185596 (VCV001185596.4), dbSNP rs2124675598, ClinGen allele CA339060736.